The following is an entry in ClinVar:

NM_002354.3(EPCAM):c.424T>C (p.Tyr142His)

Gene: EPCAM (epithelial cell adhesion molecule; plus strand). Cytogenetic location: 2p21.
Variant type: single nucleotide variant.
Coding change: c.424T>C on transcript NM_002354.3 (MANE Select); coding-DNA position 424, T replaced by C.
Protein change: p.Tyr142His; replaces tyrosine 142 with histidine.
Molecular consequence: missense variant.
Genome position (GRCh38, 1-based): chr2:47,374,047, T>C. VCF-style: chr2-47374047-T-C. GRCh37 (hg19) VCF-style: chr2-47601186-T-C.
Other names: short protein forms Y142H.
Identifiers: ClinVar variation 4843271 (VCV004843271.1).

ClinVar aggregate classification (germline): Uncertain significance (1 of 4 stars; one submission).

Conditions:
Hereditary cancer-predisposing syndrome. Also called: Neoplastic Syndromes, Hereditary; Tumor predisposition; Hereditary Cancer Syndrome; Hereditary neoplastic syndrome. Identifiers: Orphanet 140162, MedGen C0027672, MeSH D009386, MONDO:0015356.

Submission:

Ambry Genetics
Classification: Uncertain significance for Hereditary cancer-predisposing syndrome. Last evaluated: 2025-12-15. Review status: criteria provided, single submitter. Criteria: Ambry Variant Classification Scheme 2023. Collection method: clinical testing. Allele origin: germline.
Comment: The p.Y142H variant (also known as c.424T>C), located in coding exon 3 of the EPCAM gene, results from a T to C substitution at nucleotide position 424. The tyrosine at codon 142 is replaced by histidine, an amino acid with similar properties. This amino acid position is conserved. In addition, this alteration is predicted to be tolerated by in silico analysis. Based on the available evidence, the clinical significance of this variant remains unclear.